The following is an entry in ClinVar:

ClinVar aggregate classification (germline): Likely benign (1 of 4 stars; one submission).

Submission:

CeGaT Center for Human Genetics Tuebingen
Classification: Likely benign. Last evaluated: 2025-08-01. Review status: criteria provided, single submitter. Criteria: CeGaT Center For Human Genetics Tuebingen Variant Classification Criteria Version 2. Collection method: clinical testing. Allele origin: germline. Affected: yes. Observed: 1 variant allele.
Comment: NF1: PM2:Supporting, BP4, BP7

NM_001042492.3(NF1):c.7596C>A (p.Ala2532=)

Gene: NF1 (neurofibromin 1; plus strand). Cytogenetic location: 17q11.2.
Variant type: single nucleotide variant.
Coding change: c.7596C>A on transcript NM_001042492.3 (MANE Select); coding-DNA position 7596, C replaced by A.
Protein change: p.Ala2532=; no amino-acid change (alanine 2532 retained).
Molecular consequence: synonymous variant.
Genome position (GRCh38, 1-based): chr17:31,352,395, C>A. VCF-style: chr17-31352395-C-A. GRCh37 (hg19) VCF-style: chr17-29679413-C-A.
Other names: c.7533C>A, p.Ala2511= (NM_000267.4).
Identifiers: ClinVar variation 4085778 (VCV004085778.8).
Genomic context (GRCh38, chr17:31,352,395, plus strand): 5'-CCAGACCAGTCCCCGAGCCAGGAAATCCATGAGCCTGGACATGGGGCAACCTTCTCAGGC[C>A]AACACTAAGAAGTTGCTTGGTTAGTTTATCTAAATTATGTAGATTTTTTTTATTATTTAA-3'
Protein context (NP_001035957.1, residues 2522-2542): MSLDMGQPSQ[Ala2532=]NTKKLLGTRK